The following is an entry in ClinVar:

ClinVar aggregate classification (germline): Uncertain significance. Review status: criteria provided, multiple submitters, no conflicts (2 of 4 stars). 3 submissions from 3 submitters: Uncertain significance (3). Last evaluated 2025-07-14.

Conditions:
Hereditary cancer-predisposing syndrome. Also called: Hereditary neoplastic syndrome; Hereditary Cancer Syndrome; Tumor predisposition; Neoplastic Syndromes, Hereditary. Identifiers: Orphanet 140162, MedGen C0027672, MeSH D009386, MONDO:0015356.
Birt-Hogg-Dube syndrome. Also called: Birt Hogg Dubé syndrome. Identifiers: Orphanet 122, MedGen C0346010, MONDO:0800444.

Allele frequency attached by ClinVar (database versions not stated): TOPMed below 0.00001.

Submissions (3):

Ambry Genetics
Classification: Uncertain significance for Hereditary cancer-predisposing syndrome. Last evaluated: 2025-07-14. Review status: criteria provided, single submitter. Criteria: Ambry Variant Classification Scheme 2023. Collection method: clinical testing. Allele origin: germline.
Comment: The p.R379K variant (also known as c.1136G>A), located in coding exon 7 of the FLCN gene, results from a G to A substitution at nucleotide position 1136. The arginine at codon 379 is replaced by lysine, an amino acid with highly similar properties. This amino acid position is not well conserved in available vertebrate species. In addition, this alteration is predicted to be tolerated by in silico analysis. Since supporting evidence is limited at this time, the clinical significance of this alteration remains unclear.

Labcorp Genetics (formerly Invitae), Labcorp
Classification: Uncertain significance for Birt-Hogg-Dube syndrome. Last evaluated: 2024-06-25. Review status: criteria provided, single submitter. Criteria: Invitae Variant Classification Sherloc (09022015). Collection method: clinical testing. Allele origin: germline.
Comment: This sequence change replaces arginine, which is basic and polar, with lysine, which is basic and polar, at codon 379 of the FLCN protein (p.Arg379Lys). This variant is not present in population databases (gnomAD no frequency). This variant has not been reported in the literature in individuals affected with FLCN-related conditions. ClinVar contains an entry for this variant (Variation ID: 966815). Advanced modeling of protein sequence and biophysical properties (such as structural, functional, and spatial information, amino acid conservation, physicochemical variation, residue mobility, and thermodynamic stability) performed at Invitae indicates that this missense variant is not expected to disrupt FLCN protein function with a negative predictive value of 80%. In summary, the available evidence is currently insufficient to determine the role of this variant in disease. Therefore, it has been classified as a Variant of Uncertain Significance.

GeneDx
Classification: Uncertain significance. Last evaluated: 2023-06-07. Review status: criteria provided, single submitter. Criteria: GeneDx Variant Classification Process June 2021. Collection method: clinical testing. Allele origin: germline. Affected: yes.
Comment: Not observed at significant frequency in large population cohorts (gnomAD); In silico analysis supports that this missense variant does not alter protein structure/function; Has not been previously published as pathogenic or benign to our knowledge; This variant is associated with the following publications: (PMID: 17028174)

NM_144997.7(FLCN):c.1136G>A (p.Arg379Lys)

Gene: FLCN (folliculin; minus strand). Cytogenetic location: 17p11.2.
Variant type: single nucleotide variant.
Coding change: c.1136G>A on transcript NM_144997.7 (MANE Select); coding-DNA position 1136, G replaced by A.
Protein change: p.Arg379Lys; replaces arginine 379 with lysine.
Molecular consequence: missense variant.
Genome position (GRCh38, 1-based): chr17:17,217,109, C>T on the plus strand (G>A on the coding strand, the complement: FLCN is on the minus strand). VCF-style: chr17-17217109-C-T. GRCh37 (hg19) VCF-style: chr17-17120423-C-T.
Other names: c.1190G>A, p.Arg397Lys (NM_001353229.2); c.1136G>A, p.Arg379Lys (NM_001353230.2, NM_001353231.2); short protein forms R379K, R397K.
Identifiers: ClinVar variation 966815 (VCV000966815.10), dbSNP rs2046949704, ClinGen allele CA398532244.
Genomic context (GRCh38, chr17:17,217,109, plus strand): 5'-TAAGGAAAAGATGTTCTCACCCGAAGTACTTCAAAAGCTGACTGGACGAGGTCCACGTCT[C>T]TGCTTTTCCAGATCACCTGGTTCCCCATGAGAACGTGCCAGGCCAGCATGCGGAAAGAAG-3'
Protein context (NP_659434.2, residues 369-389): LMGNQVIWKS[Arg379Lys]DVDLVQSAFE